The following is an entry in ClinVar:

ClinVar aggregate classification (germline): Uncertain significance (1 of 4 stars; one submission).

Conditions:
Neuroblastoma, susceptibility to, 3. Also called: ALK-Related Neuroblastic Tumor Susceptibility. Identifiers: Orphanet 635, MedGen C2751681, MONDO:0013083, OMIM 613014.

gnomAD v4.1: 1 of 1,614,160 alleles (0.000062%); highest among the groups gnomAD compares: Non-Finnish European, 0.000085%; no homozygotes.

Submission:

Labcorp Genetics (formerly Invitae), Labcorp
Classification: Uncertain significance for Neuroblastoma, susceptibility to, 3. Last evaluated: 2022-01-03. Review status: criteria provided, single submitter. Criteria: Invitae Variant Classification Sherloc (09022015). Collection method: clinical testing. Allele origin: germline.
Comment: This variant has not been reported in the literature in individuals affected with ALK-related conditions. This variant is not present in population databases (gnomAD no frequency). This sequence change replaces isoleucine, which is neutral and non-polar, with methionine, which is neutral and non-polar, at codon 1399 of the ALK protein (p.Ile1399Met). Algorithms developed to predict the effect of missense changes on protein structure and function are either unavailable or do not agree on the potential impact of this missense change (SIFT: "Deleterious"; PolyPhen-2: "Benign"; Align-GVGD: "Class C0"). In summary, the available evidence is currently insufficient to determine the role of this variant in disease. Therefore, it has been classified as a Variant of Uncertain Significance.

NM_004304.5(ALK):c.4197A>G (p.Ile1399Met)

Gene: ALK (ALK receptor tyrosine kinase; minus strand). Cytogenetic location: 2p23.2.
Variant type: single nucleotide variant.
Coding change: c.4197A>G on transcript NM_004304.5 (MANE Select); coding-DNA position 4197, A replaced by G.
Protein change: p.Ile1399Met; replaces isoleucine 1399 with methionine.
Molecular consequence: missense variant.
Genome position (GRCh38, 1-based): chr2:29,193,890, T>C on the plus strand (A>G on the coding strand, the complement: ALK is on the minus strand). VCF-style: chr2-29193890-T-C. GRCh37 (hg19) VCF-style: chr2-29416756-T-C.
Other names: c.993A>G, p.Ile331Met (NM_001353765.2); short protein forms I1399M, I331M.
Identifiers: ClinVar variation 2071896 (VCV002071896.4), dbSNP rs2148139089, ClinGen allele CA346463364.